The following is an entry in ClinVar:

ClinVar aggregate classification (germline): Uncertain significance. Review status: criteria provided, multiple submitters, no conflicts (2 of 4 stars). 2 submissions from 2 submitters: Uncertain significance (2). Last evaluated 2024-01-25.

Conditions:
Inborn genetic diseases. Identifiers: MedGen C0950123, MeSH D030342.
Evans syndrome, immunodeficiency, and premature immunosenescence associated with tripeptidyl-peptidase II deficiency. Identifiers: MedGen CN231723. Disease mechanism: loss of function.

gnomAD v4.1: 9 of 1,613,610 alleles (0.00056%); highest among the groups gnomAD compares: African/African-American, 0.0013%; no homozygotes.

Submissions (2):

Ambry Genetics
Classification: Uncertain significance for Inborn genetic diseases. Last evaluated: 2024-01-25. Review status: criteria provided, single submitter. Criteria: Ambry Variant Classification Scheme 2023. Collection method: clinical testing. Allele origin: germline.

Labcorp Genetics (formerly Invitae), Labcorp
Classification: Uncertain significance for Evans syndrome, immunodeficiency, and premature immunosenescence associated with tripeptidyl-peptidase II deficiency. Last evaluated: 2022-02-24. Review status: criteria provided, single submitter. Criteria: Invitae Variant Classification Sherloc (09022015). Collection method: clinical testing. Allele origin: germline.
Comment: In summary, the available evidence is currently insufficient to determine the role of this variant in disease. Therefore, it has been classified as a Variant of Uncertain Significance. This variant is not present in population databases (gnomAD no frequency). This sequence change replaces valine, which is neutral and non-polar, with isoleucine, which is neutral and non-polar, at codon 194 of the TPP2 protein (p.Val194Ile). Algorithms developed to predict the effect of missense changes on protein structure and function are either unavailable or do not agree on the potential impact of this missense change (SIFT: "Tolerated"; PolyPhen-2: "Possibly Damaging"; Align-GVGD: "Class C0"). ClinVar contains an entry for this variant (Variation ID: 941752). This variant has not been reported in the literature in individuals affected with TPP2-related conditions.

NM_001330588.2(TPP2):c.580G>A (p.Val194Ile)

Gene: TPP2 (tripeptidyl peptidase 2; plus strand). Cytogenetic location: 13q33.1.
Variant type: single nucleotide variant.
Coding change: c.580G>A on transcript NM_001330588.2 (MANE Select); coding-DNA position 580, G replaced by A.
Protein change: p.Val194Ile; replaces valine 194 with isoleucine.
Molecular consequence: missense variant. On other transcripts: non-coding transcript variant (1).
Genome position (GRCh38, 1-based): chr13:102,618,806, G>A. VCF-style: chr13-102618806-G-A. GRCh37 (hg19) VCF-style: chr13-103271156-G-A.
Other names: c.580G>A, p.Val194Ile (NM_001367947.1, NM_003291.4); short protein forms V194I.
Identifiers: ClinVar variation 941752 (VCV000941752.10), dbSNP rs1342968648, ClinGen allele CA388475527.